The following is an entry in ClinVar:

ClinVar aggregate classification (germline): Pathogenic/Likely pathogenic. Review status: criteria provided, multiple submitters, no conflicts (2 of 4 stars). 4 submissions from 4 submitters: Pathogenic (1); Likely pathogenic (3). Last evaluated 2024-07-23.

Conditions:
Sjögren-Larsson syndrome (SLS). Also called: FALDH DEFICIENCY; FATTY ALCOHOL:NAD+ OXIDOREDUCTASE DEFICIENCY; FATTY ALDEHYDE DEHYDROGENASE DEFICIENCY; ICHTHYOSIS, SPASTIC NEUROLOGIC DISORDER, AND OLIGOPHRENIA. Identifiers: Orphanet 816, MedGen C0037231, MONDO:0010031, OMIM 270200.

Submissions (4):

Natera, Inc.
Classification: Likely pathogenic for Sjögren-Larsson syndrome. Last evaluated: 2024-07-23. Review status: criteria provided, single submitter. Criteria: Natera Variant Classification Schema (03/2026). Collection method: clinical testing. Allele origin: germline.
Comment: The c.710G>A variant in ALDH3A2 is a missense variant predicted to cause substitution of cysteine to tyrosine at amino acid 237. This variant is rare in the general population with a frequency below the threshold expected for the associated phenotype(s). This variant has been observed in one or more individuals affected with the associated recessive disease, as either homozygous or compound heterozygous with a second variant (PMID: 10577908, 20049467). Functional studies show that this variant may disrupt protein function (PMID: 20049467, 10577908). Computational prediction algorithms indicate this variant is likely to affect gene or protein function. Given the available evidence, this variant is classified as Likely Pathogenic.

Labcorp Genetics (formerly Invitae), Labcorp
Classification: Likely pathogenic. Last evaluated: 2024-02-13. Review status: criteria provided, single submitter. Criteria: Invitae Variant Classification Sherloc (09022015). Collection method: clinical testing. Allele origin: germline.
Comment: This sequence change replaces cysteine, which is neutral and slightly polar, with tyrosine, which is neutral and polar, at codon 237 of the ALDH3A2 protein (p.Cys237Tyr). This variant is not present in population databases (gnomAD no frequency). This missense change has been observed in individuals with Sjögren-Larsson syndrome (PMID: 10577908, 16903323, 20049467). ClinVar contains an entry for this variant (Variation ID: 631767). Advanced modeling of protein sequence and biophysical properties (such as structural, functional, and spatial information, amino acid conservation, physicochemical variation, residue mobility, and thermodynamic stability) has been performed at Invitae for this missense variant, however the output from this modeling did not meet the statistical confidence thresholds required to predict the impact of this variant on ALDH3A2 protein function. Experimental studies have shown that this missense change affects ALDH3A2 function (PMID: 10577908). In summary, the currently available evidence indicates that the variant is pathogenic, but additional data are needed to prove that conclusively. Therefore, this variant has been classified as Likely Pathogenic.

Women's Health and Genetics/Laboratory Corporation of America, LabCorp
Classification: Pathogenic for SjÃ¶gren-Larsson syndrome. Last evaluated: 2018-06-28. Review status: criteria provided, single submitter. Criteria: LabCorp Variant Classification Summary - May 2015. Collection method: clinical testing. Allele origin: germline.
Comment: Variant summary: ALDH3A2 c.710G>A (p.Cys237Tyr) results in a non-conservative amino acid change located in the Aldehyde dehydrogenase domain (IPR015590) of the encoded protein sequence. Five of five in-silico tools predict a damaging effect of the variant on protein function. The variant was absent in 246236 control chromosomes (gnomAD). The variant, c.710G>A, has been reported in the literature in multiple individuals affected with Sjogren-Larsson Syndrome (Alio_2006, Rizzo_1999, Hidalgo_2017). These data indicate that the variant is very likely to be associated with disease. At least one publication reports experimental evidence evaluating an impact on protein function. The most pronounced variant effect results in less than 10% of normal activity (Rizzo_1999). No clinical diagnostic laboratories have submitted clinical-significance assessments for this variant to ClinVar after 2014. Based on the evidence outlined above, the variant was classified as pathogenic.

Illumina Laboratory Services, Illumina
Classification: Likely pathogenic for Sjögren-Larsson syndrome. Last evaluated: 2017-08-29. Review status: criteria provided, single submitter. Criteria: ICSL Variant Classification Criteria 09 May 2019. Collection method: clinical testing. Allele origin: germline.
Comment: The ALDH3A2 c.710G>A (p.Cys237Tyr) missense variant has been reported in one study and identified in two unrelated homozygous individuals with SjÃ¶gren-Larrson syndrome (Rizzo et al. 1999). Control data are unavailable for this variant. The p.Cys237Tyr variant is not found in the 1000 Genomes Project, the Exome Sequencing Project, the Exome Aggregation Consortium, or the Genome Aggregation Database. Rizzo et al. (1999) used Chinese hamster ovary cells to determine the FALDH activity for the variant and it was found to be <1% of wild type. Keller et al. (2014) identified the p.Cys237Tyr variant as one that likely destabilizes the FALDH protein fold by changing the polarity or the size of the side chain. Based on the evidence, the p.Cys237Tyr variant is classified as likely pathogenic for SjÃ¶gren-Larrson syndrome. This variant was observed by ICSL as part of a predisposition screen in an ostensibly healthy population.

Literature cited by the submitters: PubMed 10577908 (cited by 4 submitters); PubMed 20049467 (cited by Natera, Inc. and Labcorp Genetics (formerly Invitae), Labcorp); PubMed 16903323 (cited by Labcorp Genetics (formerly Invitae), Labcorp and Women's Health and Genetics/Laboratory Corporation of America, LabCorp); PubMed 28257279 (cited by Women's Health and Genetics/Laboratory Corporation of America, LabCorp); PubMed 25047030 (cited by Illumina Laboratory Services, Illumina).

NM_000382.3(ALDH3A2):c.710G>A (p.Cys237Tyr)

Gene: ALDH3A2 (aldehyde dehydrogenase 3 family member A2; plus strand). Cytogenetic location: 17p11.2.
Variant type: single nucleotide variant.
Coding change: c.710G>A on transcript NM_000382.3 (MANE Select); coding-DNA position 710, G replaced by A.
Protein change: p.Cys237Tyr; replaces cysteine 237 with tyrosine.
Molecular consequence: missense variant.
Genome position (GRCh38, 1-based): chr17:19,657,774, G>A. VCF-style: chr17-19657774-G-A. GRCh37 (hg19) VCF-style: chr17-19561087-G-A.
Other names: c.710G>A, p.Cys237Tyr (NM_001031806.2, NM_001369136.1, NM_001369137.2 and 3 more transcripts); c.131G>A, p.Cys44Tyr (NM_001369148.2); short protein forms C237Y, C44Y.
Identifiers: ClinVar variation 631767 (VCV000631767.12), dbSNP rs72547567, ClinGen allele CA288545138.
Genomic context (GRCh38, chr17:19,657,774, plus strand): 5'-TATATAGCTGTTCTGGATGTTTTCCCCTCAGACGCATAACCTGGGGAAAATACATGAATT[G>A]TGGCCAAACCTGCATTGCACCCGACTATATTCTCTGTGAAGCATCCCTCCAAAATCAAAT-3'
Protein context (NP_000373.1, residues 227-247): RRITWGKYMN[Cys237Tyr]GQTCIAPDYI